The following is an entry in ClinVar:

ClinVar aggregate classification (germline): Pathogenic (1 of 4 stars; one submission).

Conditions:
Primary ciliary dyskinesia. Also called: Ciliary dyskinesia. Identifiers: Orphanet 244, MedGen C0008780, MONDO:0016575, HP:0012265.

Submission:

Labcorp Genetics (formerly Invitae), Labcorp
Classification: Pathogenic for Primary ciliary dyskinesia. Last evaluated: 2019-04-30. Review status: criteria provided, single submitter. Criteria: Invitae Variant Classification Sherloc (09022015). Collection method: clinical testing. Allele origin: germline.
Comment: Loss-of-function variants in DNAH11 are known to be pathogenic (PMID: 18022865, 20513915, 22184204). This variant has not been reported in the literature in individuals with DNAH11-related conditions. The frequency data for this variant in the population databases is considered unreliable, as metrics indicate poor data quality at this position in the ExAC database. This sequence change creates a premature translational stop signal (p.Thr992Hisfs*16) in the DNAH11 gene. It is expected to result in an absent or disrupted protein product. For these reasons, this variant has been classified as Pathogenic.

Literature cited by the submitters: PubMed 18022865; PubMed 20513915; PubMed 22184204.

NM_001277115.2(DNAH11):c.2974del (p.Thr992fs)

Genes: DNAH11 (dynein axonemal heavy chain 11; plus strand), LOC126859961 (BRD4-independent group 4 enhancer GRCh37_chr7:21639662-21640861; plus strand). Cytogenetic location: 7p15.3.
Variant type: Deletion.
Coding change: c.2974del on transcript NM_001277115.2 (MANE Select); coding-DNA position 2974, one base deleted (A; older notation c.2974delA).
Protein change: p.Thr992fs; shifts the reading frame from threonine 992.
Molecular consequence: frameshift variant.
Genome position (GRCh38, 1-based): chr7:21,600,093, A deleted; the last of 2 consecutive A bases (chr7:21,600,092-21,600,093); deleting either gives the same sequence. VCF-style (leftmost placement, unchanged base first): chr7-21600091-CA-C. GRCh37 (hg19) VCF-style: chr7-21639709-CA-C.
Other names: short protein forms T992fs.
Identifiers: ClinVar variation 847513 (VCV000847513.8), dbSNP rs756850884, ClinGen allele CA4179479.
Genomic context (GRCh38, chr7:21,600,091, plus strand): 5'-ATCTTGTAGAAGAAATGTTATGCAATAGTTTTAGAATGTCTGCCCAGATGAACCGAATAG[CA>C]ACACACCTGGAAATTAAAAATTATCAGGTATTTTCTTAGTAAATGGGTATTTAGCTTTTA-3'